The following is an entry in ClinVar:

ClinVar aggregate classification (germline): Uncertain significance (1 of 4 stars; one submission).

Conditions:
Juvenile nephropathic cystinosis. Also called: Intermediate Cystinosis; CYSTINOSIS, LATE-ONSET JUVENILE OR ADOLESCENT NEPHROPATHIC TYPE; Later-Onset (Juvenile) Cystinosis. Identifiers: Orphanet 213, Orphanet 411634, MedGen C0268626, MONDO:0009066, OMIM 219900.
Inborn genetic diseases. Identifiers: MedGen C0950123, MeSH D030342.
Ocular cystinosis. Also called: Non-Nephropathic Cystinosis; Non-Nephropathic (Ocular) Cystinosis. Identifiers: Orphanet 213, Orphanet 411641, MedGen C2931013, MONDO:0009064, OMIM 219750.

Allele frequency attached by ClinVar (database versions not stated): TOPMed below 0.00001.

Submission:

Labcorp Genetics (formerly Invitae), Labcorp
Classification: Uncertain significance for Inborn genetic diseases; Ocular cystinosis; Juvenile nephropathic cystinosis. Last evaluated: 2022-08-23. Review status: criteria provided, single submitter. Criteria: Invitae Variant Classification Sherloc (09022015). Collection method: clinical testing. Allele origin: germline.
Comment: Advanced modeling of protein sequence and biophysical properties (such as structural, functional, and spatial information, amino acid conservation, physicochemical variation, residue mobility, and thermodynamic stability) performed at Invitae indicates that this missense variant is expected to disrupt CTNS protein function. In summary, the available evidence is currently insufficient to determine the role of this variant in disease. Therefore, it has been classified as a Variant of Uncertain Significance. ClinVar contains an entry for this variant (Variation ID: 1472105). This variant has not been reported in the literature in individuals affected with CTNS-related conditions. This variant is not present in population databases (gnomAD no frequency). This sequence change replaces alanine, which is neutral and non-polar, with aspartic acid, which is acidic and polar, at codon 137 of the CTNS protein (p.Ala137Asp).

NM_004937.3(CTNS):c.410C>A (p.Ala137Asp)

Genes: CTNS-AS1 (CTNS antisense RNA 1; minus strand), CTNS (cystinosin, lysosomal cystine transporter; plus strand). Cytogenetic location: 17p13.2.
Variant type: single nucleotide variant.
Coding change: c.410C>A on transcript NM_004937.3 (MANE Select); coding-DNA position 410, C replaced by A.
Protein change: p.Ala137Asp; replaces alanine 137 with aspartic acid.
Molecular consequence: missense variant. On other transcripts: 5 prime UTR variant (4).
Genome position (GRCh38, 1-based): chr17:3,655,301, C>A. VCF-style: chr17-3655301-C-A. GRCh37 (hg19) VCF-style: chr17-3558595-C-A.
Other names: c.410C>A, p.Ala137Asp (NM_001031681.3, NM_001374492.1); c.-32C>A (NM_001374493.1, NM_001374494.1, NM_001374495.1 and 1 more transcripts); short protein forms A137D.
Identifiers: ClinVar variation 1472105 (VCV001472105.8), dbSNP rs1413852868, ClinGen allele CA397690743.